The following is an entry in ClinVar:

ClinVar aggregate classification (germline): Likely benign. Review status: criteria provided, single submitter (1 of 4 stars). 2 submissions from 2 submitters: Likely benign (1). 1 of the submissions does not count toward it. Last evaluated 2025-09-25.

Conditions:
Rubinstein-Taybi syndrome due to EP300 haploinsufficiency. Also called: RUBINSTEIN-TAYBI SYNDROME 2; EP300-Related Rubinstein-Taybi Syndrome. Identifiers: Orphanet 353284, Orphanet 783, MedGen C3150941, MONDO:0013364, OMIM 613684.
EP300-related disorder. Also called: EP300-related condition; EP300-related disorders.

Allele frequency attached by ClinVar (database versions not stated): gnomAD exomes below 0.00001; ExAC 0.00002; gnomAD 0.00003; TOPMed 0.00003; ESP Exome Variant Server 0.00008.
gnomAD v4.1: 10 of 1,613,508 alleles (0.00062%); highest among the groups gnomAD compares: African/African-American, 0.012%; no homozygotes.

Submissions (2):

Labcorp Genetics (formerly Invitae), Labcorp
Classification: Likely benign for Rubinstein-Taybi syndrome due to EP300 haploinsufficiency. Last evaluated: 2025-09-25. Review status: criteria provided, single submitter. Criteria: Invitae Variant Classification Sherloc (09022015). Collection method: clinical testing. Allele origin: germline.

PreventionGenetics, part of Exact Sciences
Classification: Likely benign for EP300-related condition. Last evaluated: 2023-12-20. Review status: no assertion criteria provided. Collection method: clinical testing. Allele origin: germline. Not counted in ClinVar's aggregate classification.
Comment: This variant is classified as likely benign based on ACMG/AMP sequence variant interpretation guidelines (Richards et al. 2015 PMID: 25741868, with internal and published modifications).

NM_001429.4(EP300):c.94+10G>A

Genes: EP300 (EP300 lysine acetyltransferase; plus strand), LOC130067530 (ATAC-STARR-seq lymphoblastoid active region 19106; plus strand). Cytogenetic location: 22q13.2.
Variant type: single nucleotide variant.
Coding change: c.94+10G>A on transcript NM_001429.4 (MANE Select); 10 bases into the intron after coding-DNA position 94, G replaced by A.
Molecular consequence: intron variant.
Genome position (GRCh38, 1-based): chr22:41,093,108, G>A. VCF-style: chr22-41093108-G-A. GRCh37 (hg19) VCF-style: chr22-41489112-G-A.
Other names: c.94+10G>A (NM_001362843.2, NM_001429.3).
Identifiers: ClinVar variation 3015716 (VCV003015716.4), dbSNP rs375565921, ClinGen allele CA10252160.